The following is an entry in ClinVar:

NM_003664.5(AP3B1):c.1255C>T (p.Gln419Ter)

Gene: AP3B1 (adaptor related protein complex 3 subunit beta 1; minus strand). Cytogenetic location: 5q14.1.
Variant type: single nucleotide variant.
Coding change: c.1255C>T on transcript NM_003664.5 (MANE Select); coding-DNA position 1255, C replaced by T.
Protein change: p.Gln419Ter; replaces glutamine 419 with a stop codon.
Molecular consequence: nonsense.
Genome position (GRCh38, 1-based): chr5:78,162,927, G>A on the plus strand (C>T on the coding strand, the complement: AP3B1 is on the minus strand). VCF-style: chr5-78162927-G-A. GRCh37 (hg19) VCF-style: chr5-77458751-G-A.
Other names: c.1108C>T, p.Gln370Ter (NM_001271769.2); c.1255C>T, p.Gln419Ter (NM_001410752.1); short protein forms Q419*, Q370*.
Identifiers: ClinVar variation 2030913 (VCV002030913.4), dbSNP rs2531076982, ClinGen allele CA360190117.

ClinVar aggregate classification (germline): Pathogenic (1 of 4 stars; one submission).

Conditions:
Hermansky-Pudlak syndrome 2 (HPS2). Also called: Platelet defects and oculocutaneous albinism. Identifiers: Orphanet 183678, Orphanet 79430, MedGen C1842362, MONDO:0011997, OMIM 608233.

Submission:

Labcorp Genetics (formerly Invitae), Labcorp
Classification: Pathogenic for Hermansky-Pudlak syndrome 2. Last evaluated: 2022-09-16. Review status: criteria provided, single submitter. Criteria: Invitae Variant Classification Sherloc (09022015). Collection method: clinical testing. Allele origin: germline.
Comment: This variant has not been reported in the literature in individuals affected with AP3B1-related conditions. This variant is not present in population databases (gnomAD no frequency). For these reasons, this variant has been classified as Pathogenic. This sequence change creates a premature translational stop signal (p.Gln419*) in the AP3B1 gene. It is expected to result in an absent or disrupted protein product. Loss-of-function variants in AP3B1 are known to be pathogenic (PMID: 16507770, 23403622).

Literature cited by the submitters: PubMed 16507770; PubMed 23403622.